The following is an entry in ClinVar:

ClinVar aggregate classification (germline): Pathogenic. Review status: criteria provided, multiple submitters, no conflicts (2 of 4 stars). 3 submissions from 3 submitters: Pathogenic (3). Last evaluated 2025-08-04.

Conditions:
Hereditary cancer-predisposing syndrome. Also called: Tumor predisposition; Hereditary neoplastic syndrome; Neoplastic Syndromes, Hereditary; Hereditary Cancer Syndrome. Identifiers: Orphanet 140162, MedGen C0027672, MeSH D009386, MONDO:0015356.
Pheochromocytoma/paraganglioma syndrome 3. Also called: SDHC-Related Hereditary Paraganglioma-Pheochromocytoma Syndrome (Paragangliomas 3); GLOMUS TUMORS, FAMILIAL, 3; SDHC-Related Hereditary Paraganglioma-Pheochromocytoma Syndrome; Paragangliomas 3. Identifiers: Orphanet 29072, MedGen C1854336, MONDO:0011544, OMIM 605373.
Gastrointestinal stromal tumor. Also called: Gastrointestinal stroma tumor; Gastrointestinal stromal tumor, somatic. Identifiers: Orphanet 44890, MedGen C0238198, MeSH D046152, MONDO:0011719, OMIM 606764, HP:0100723.

Submissions (3):

Labcorp Genetics (formerly Invitae), Labcorp
Classification: Pathogenic for Pheochromocytoma/paraganglioma syndrome 3; Gastrointestinal stromal tumor. Last evaluated: 2025-08-04. Review status: criteria provided, single submitter. Criteria: Invitae Variant Classification Sherloc (09022015). Collection method: clinical testing. Allele origin: germline.
Comment: This sequence change creates a premature translational stop signal (p.Tyr126Glyfs*5) in the SDHC gene. While this is not anticipated to result in nonsense mediated decay, it is expected to disrupt the last 44 amino acid(s) of the SDHC protein. This variant is not present in population databases (gnomAD no frequency). This variant has not been reported in the literature in individuals affected with SDHC-related conditions. ClinVar contains an entry for this variant (Variation ID: 480810). This variant disrupts a region of the SDHC protein in which other variant(s) (p.Arg133) have been determined to be pathogenic (PMID: 17898811, 23083876, 24423348, 24758179, 27700540; internal data). This suggests that this is a clinically significant region of the protein, and that variants that disrupt it are likely to be disease-causing. For these reasons, this variant has been classified as Pathogenic.

Ambry Genetics
Classification: Pathogenic for Hereditary cancer-predisposing syndrome. Last evaluated: 2025-01-16. Review status: criteria provided, single submitter. Criteria: Ambry Variant Classification Scheme 2023. Collection method: clinical testing. Allele origin: germline.
Comment: The c.376_391del16 pathogenic mutation, located in coding exon 5 of the SDHC gene, results from a deletion of 16 nucleotides at nucleotide positions 376 to 391, causing a translational frameshift with a predicted alternate stop codon (p.Y126Gfs*5). This variant is considered to be rare based on population cohorts in the Genome Aggregation Database (gnomAD). This alteration is expected to result in loss of function by premature protein truncation or nonsense-mediated mRNA decay. As such, this alteration is interpreted as a disease-causing mutation.

Myriad Genetics, Inc.
Classification: Pathogenic for Pheochromocytoma/paraganglioma syndrome 3. Last evaluated: 2024-04-17. Review status: criteria provided, single submitter. Criteria: Myriad Autosomal Dominant, Autosomal Recessive and X-Linked Classification Criteria (2023). Collection method: clinical testing. Allele origin: unknown.
Comment: This variant is considered pathogenic. This variant creates a frameshift predicted to result in premature protein truncation.

Literature cited by the submitters: PubMed 17898811 (cited by Labcorp Genetics (formerly Invitae), Labcorp); PubMed 23083876 (cited by Labcorp Genetics (formerly Invitae), Labcorp); PubMed 24423348 (cited by Labcorp Genetics (formerly Invitae), Labcorp); PubMed 24758179 (cited by Labcorp Genetics (formerly Invitae), Labcorp); PubMed 27700540 (cited by Labcorp Genetics (formerly Invitae), Labcorp).

NM_003001.5(SDHC):c.376_391del (p.Tyr126fs)

Gene: SDHC (succinate dehydrogenase complex subunit C; plus strand). Cytogenetic location: 1q23.3.
Variant type: Deletion.
Coding change: c.376_391del on transcript NM_003001.5 (MANE Select); coding-DNA positions 376 to 391, 16 bases deleted (TATCATACCTGGAATG).
Protein change: p.Tyr126fs; shifts the reading frame from tyrosine 126.
Molecular consequence: frameshift variant. On other transcripts: non-coding transcript variant (1), intron variant (3).
Genome position (GRCh38, 1-based): chr1:161,356,811-161,356,826, TATCATACCTGGAATG deleted; deleting any 16 consecutive bases within chr1:161,356,808-161,356,826 gives the same sequence; the c. name uses the placement nearest the transcript's 3' end. VCF-style (leftmost placement, unchanged base first): chr1-161356807-CATGTATCATACCTGGA-C. GRCh37 (hg19) VCF-style: chr1-161326597-CATGTATCATACCTGGA-C.
Other names: c.274_289del, p.Tyr92fs (NM_001035512.3); c.217_232del, p.Tyr73fs (NM_001035513.3); c.496_511del, p.Tyr166fs (NM_001407115.1); c.319_334del, p.Tyr107fs (NM_001407116.1); c.313_328del, p.Tyr105fs (NM_001407117.1); c.268_283del, p.Tyr90fs (NM_001407118.1); c.265_280del, p.Tyr89fs (NM_001407119.1, NM_001407120.1); c.242-5518_242-5503del (NM_001035511.3); and 2 more; short protein forms Y126fs, Y92fs, Y73fs, Y105fs, Y107fs, Y89fs, Y90fs, Y166fs.
Identifiers: ClinVar variation 480810 (VCV000480810.13), dbSNP rs1553265817, ClinGen allele CA658656975.